The following is an entry in ClinVar:

NM_003265.3(TLR3):c.1159T>A (p.Ser387Thr)

Gene: TLR3 (toll like receptor 3; plus strand). Cytogenetic location: 4q35.1.
Variant type: single nucleotide variant.
Coding change: c.1159T>A on transcript NM_003265.3 (MANE Select); coding-DNA position 1159, T replaced by A.
Protein change: p.Ser387Thr; replaces serine 387 with threonine.
Molecular consequence: missense variant.
Genome position (GRCh38, 1-based): chr4:186,082,845, T>A. VCF-style: chr4-186082845-T-A. GRCh37 (hg19) VCF-style: chr4-187003999-T-A.
Other names: short protein forms S387T.
Identifiers: ClinVar variation 2877298 (VCV002877298.3), dbSNP rs2478225728, ClinGen allele CA358931183.

ClinVar aggregate classification (germline): Uncertain significance (1 of 4 stars; one submission).

Conditions:
Encephalopathy, acute, infection-induced (herpes-specific), susceptibility to, 1. Also called: Herpes simplex encephalitis, susceptibility to, 1. Identifiers: Orphanet 1930, MedGen C2750180, MONDO:0024563, OMIM 610551.

gnomAD v4.1: 1 of 1,613,810 alleles (0.000062%); highest among the groups gnomAD compares: Non-Finnish European, 0.000085%; no homozygotes.

Submission:

Labcorp Genetics (formerly Invitae), Labcorp
Classification: Uncertain significance for Encephalopathy, acute, infection-induced (herpes-specific), susceptibility to, 1. Last evaluated: 2023-07-05. Review status: criteria provided, single submitter. Criteria: Invitae Variant Classification Sherloc (09022015). Collection method: clinical testing. Allele origin: germline.
Comment: This sequence change replaces serine, which is neutral and polar, with threonine, which is neutral and polar, at codon 387 of the TLR3 protein (p.Ser387Thr). This variant is not present in population databases (gnomAD no frequency). This variant has not been reported in the literature in individuals affected with TLR3-related conditions. An algorithm developed to predict the effect of missense changes on protein structure and function (PolyPhen-2) suggests that this variant is likely to be disruptive. In summary, the available evidence is currently insufficient to determine the role of this variant in disease. Therefore, it has been classified as a Variant of Uncertain Significance.